The following is an entry in ClinVar:

ClinVar aggregate classification (germline): Uncertain significance (1 of 4 stars; one submission).

Conditions:
Ataxia-telangiectasia syndrome (AT). Also called: LOUIS-BAR SYNDROME; Cerebello-oculocutaneous telangiectasia; Immunodeficiency with ataxia telangiectasia; Ataxia telangiectasia (A-T); Ataxia-telangiectasia, complementation group D; AT, COMPLEMENTATION GROUP C. Identifiers: Orphanet 100, MedGen C0004135, MONDO:0008840, OMIM 208900.

Allele frequency attached by ClinVar (database versions not stated): ExAC 0.00001.

Submission:

Labcorp Genetics (formerly Invitae), Labcorp
Classification: Uncertain significance for Ataxia-telangiectasia syndrome. Last evaluated: 2024-07-03. Review status: criteria provided, single submitter. Criteria: Invitae Variant Classification Sherloc (09022015). Collection method: clinical testing. Allele origin: germline.
Comment: This sequence change replaces threonine, which is neutral and polar, with isoleucine, which is neutral and non-polar, at codon 2978 of the ATM protein (p.Thr2978Ile). This variant is not present in population databases (gnomAD no frequency). This variant has not been reported in the literature in individuals affected with ATM-related conditions. An algorithm developed to predict the effect of missense changes on protein structure and function (PolyPhen-2) suggests that this variant is likely to be tolerated. In summary, the available evidence is currently insufficient to determine the role of this variant in disease. Therefore, it has been classified as a Variant of Uncertain Significance.

NM_000051.4(ATM):c.8933C>T (p.Thr2978Ile)

Genes: ATM (ATM serine/threonine kinase; plus strand), C11orf65 (chromosome 11 open reading frame 65; minus strand). Cytogenetic location: 11q22.3.
Variant type: single nucleotide variant.
Coding change: c.8933C>T on transcript NM_000051.4 (MANE Select); coding-DNA position 8933, C replaced by T.
Protein change: p.Thr2978Ile; replaces threonine 2978 with isoleucine.
Molecular consequence: missense variant. On other transcripts: intron variant (2).
Genome position (GRCh38, 1-based): chr11:108,365,164, C>T. VCF-style: chr11-108365164-C-T. GRCh37 (hg19) VCF-style: chr11-108235891-C-T.
Other names: c.8933C>T, p.Thr2978Ile (NM_001351834.2); c.640+20756G>A (NM_001330368.2); c.694+20756G>A (NM_001351110.2); short protein forms T2978I.
Identifiers: ClinVar variation 2711831 (VCV002711831.3), dbSNP rs765446164, ClinGen allele CA6266492.
Genomic context (GRCh38, chr11:108,365,164, plus strand): 5'-TTGACTGGACCATGAATCCTTTGAAAGCTTTGTATTTACAGCAGAGGCCGGAAGATGAAA[C>T]TGAGCTTCACCCTACTCTGAATGCAGATGACCAAGAATGCAAACGAAATCTCAGGTGAGC-3'
Protein context (NP_000042.3, residues 2968-2988): LYLQQRPEDE[Thr2978Ile]ELHPTLNADD